The following is an entry in ClinVar:

NM_001256545.2(MEGF10):c.219-3T>C

Gene: MEGF10 (multiple EGF like domains 10; plus strand). Cytogenetic location: 5q23.2.
Variant type: single nucleotide variant.
Coding change: c.219-3T>C on transcript NM_001256545.2 (MANE Select); 3 bases into the intron before coding-DNA position 219, T replaced by C.
Molecular consequence: intron variant.
Genome position (GRCh38, 1-based): chr5:127,340,527, T>C. VCF-style: chr5-127340527-T-C. GRCh37 (hg19) VCF-style: chr5-126676219-T-C.
Other names: c.219-3T>C (NM_032446.3, NM_001308119.2, NM_001308121.2).
Identifiers: ClinVar variation 1502700 (VCV001502700.3), dbSNP rs1357482042, ClinGen allele CA562866167.

ClinVar aggregate classification (germline): Uncertain significance (1 of 4 stars; one submission).

Conditions:
MEGF10-related myopathy (CMYO10A). Also called: Congenital myopathy 10A, severe variant. Identifiers: Orphanet 439212, MedGen C3280679, MONDO:0013731, OMIM 614399.

Allele frequency attached by ClinVar (database versions not stated): gnomAD exomes below 0.00001.
gnomAD v4.1: 1 of 1,610,976 alleles (0.000062%); highest among the groups gnomAD compares: Admixed American, 0.0017%; no homozygotes.

Submission:

Labcorp Genetics (formerly Invitae), Labcorp
Classification: Uncertain significance for MEGF10-related myopathy. Last evaluated: 2021-04-11. Review status: criteria provided, single submitter. Criteria: Invitae Variant Classification Sherloc (09022015). Collection method: clinical testing. Allele origin: germline.
Comment: This sequence change falls in intron 4 of the MEGF10 gene. It does not directly change the encoded amino acid sequence of the MEGF10 protein. It affects a nucleotide within the consensus splice site of the intron. This variant is not present in population databases (ExAC no frequency). This variant has not been reported in the literature in individuals with MEGF10-related conditions. Nucleotide substitutions within the consensus splice site are a relatively common cause of aberrant splicing (PMID: 17576681, 9536098). Algorithms developed to predict the effect of sequence changes on RNA splicing suggest that this variant is not likely to affect RNA splicing, but this prediction has not been confirmed by published transcriptional studies. In summary, the available evidence is currently insufficient to determine the role of this variant in disease. Therefore, it has been classified as a Variant of Uncertain Significance.

Literature cited by the submitters: PubMed 17576681; PubMed 9536098.